The following is an entry in ClinVar:

ClinVar aggregate classification (germline): Uncertain significance (1 of 4 stars; one submission).

Allele frequency attached by ClinVar (database versions not stated): ExAC 0.00004; gnomAD exomes 0.00004 and 0.00003; gnomAD 0.00002; TOPMed 0.00002.
gnomAD v4.1: 49 of 1,612,256 alleles (0.003%); highest among the groups gnomAD compares: Middle Eastern, 0.017%; no homozygotes.

Submission:

Labcorp Genetics (formerly Invitae), Labcorp
Classification: Uncertain significance. Last evaluated: 2024-01-15. Review status: criteria provided, single submitter. Criteria: Invitae Variant Classification Sherloc (09022015). Collection method: clinical testing. Allele origin: germline.
Comment: This sequence change replaces alanine, which is neutral and non-polar, with valine, which is neutral and non-polar, at codon 646 of the MYO18B protein (p.Ala646Val). This variant is present in population databases (rs747405438, gnomAD 0.01%). This variant has not been reported in the literature in individuals affected with MYO18B-related conditions. ClinVar contains an entry for this variant (Variation ID: 1444239). An algorithm developed to predict the effect of missense changes on protein structure and function (PolyPhen-2) suggests that this variant¬†is likely to be tolerated. In summary, the available evidence is currently insufficient to determine the role of this variant in disease. Therefore, it has been classified as a Variant of Uncertain Significance.

NM_032608.7(MYO18B):c.1937C>T (p.Ala646Val)

Gene: MYO18B (myosin XVIIIB; plus strand). Cytogenetic location: 22q12.1.
Variant type: single nucleotide variant.
Coding change: c.1937C>T on transcript NM_032608.7 (MANE Select); coding-DNA position 1937, C replaced by T.
Protein change: p.Ala646Val; replaces alanine 646 with valine.
Molecular consequence: missense variant.
Genome position (GRCh38, 1-based): chr22:25,777,650, C>T. VCF-style: chr22-25777650-C-T. GRCh37 (hg19) VCF-style: chr22-26173617-C-T.
Other names: c.1937C>T, p.Ala646Val (NM_001318245.2); short protein forms A646V.
Identifiers: ClinVar variation 1444239 (VCV001444239.4), dbSNP rs747405438, ClinGen allele CA10160013.